The following is an entry in ClinVar:

ClinVar aggregate classification (germline): Uncertain significance (1 of 4 stars; one submission).

Conditions:
Hyperornithinemia-hyperammonemia-homocitrullinuria syndrome (HHHS). Also called: Ornithine translocase deficiency; HHH SYNDROME. Identifiers: Orphanet 415, MedGen C0268540, MONDO:0009393, OMIM 238970.

Allele frequency attached by ClinVar (database versions not stated): gnomAD exomes below 0.00001 and 0.00001; ExAC 0.00002.
gnomAD v4.1: 2 of 1,614,226 alleles (0.00012%); highest among the groups gnomAD compares: Non-Finnish European, 0.00017%; no homozygotes.

Submission:

Labcorp Genetics (formerly Invitae), Labcorp
Classification: Uncertain significance for Hyperornithinemia-hyperammonemia-homocitrullinuria syndrome. Last evaluated: 2019-05-20. Review status: criteria provided, single submitter. Criteria: Invitae Variant Classification Sherloc (09022015). Collection method: clinical testing. Allele origin: germline.
Comment: This sequence change replaces alanine with threonine at codon 22 of the SLC25A15 protein (p.Ala22Thr). The alanine residue is highly conserved and there is a small physicochemical difference between alanine and threonine. This variant is present in population databases (rs772586133, ExAC 0.003%). This variant has not been reported in the literature in individuals with SLC25A15-related conditions. Algorithms developed to predict the effect of missense changes on protein structure and function are either unavailable or do not agree on the potential impact of this missense change (SIFT: "Deleterious"; PolyPhen-2: "Probably Damaging"; Align-GVGD: "Class C0"). In summary, the available evidence is currently insufficient to determine the role of this variant in disease. Therefore, it has been classified as a Variant of Uncertain Significance.

NM_014252.4(SLC25A15):c.64G>A (p.Ala22Thr)

Gene: SLC25A15 (solute carrier family 25 member 15; plus strand). Cytogenetic location: 13q14.11.
Variant type: single nucleotide variant.
Coding change: c.64G>A on transcript NM_014252.4 (MANE Select); coding-DNA position 64, G replaced by A.
Protein change: p.Ala22Thr; replaces alanine 22 with threonine.
Molecular consequence: missense variant. On other transcripts: non-coding transcript variant (2).
Genome position (GRCh38, 1-based): chr13:40,799,065, G>A. VCF-style: chr13-40799065-G-A. GRCh37 (hg19) VCF-style: chr13-41373201-G-A.
Other names: short protein forms A22T.
Identifiers: ClinVar variation 949296 (VCV000949296.1), dbSNP rs772586133, ClinGen allele CA6959617.